The following is an entry in ClinVar:

ClinVar aggregate classification (germline): Likely benign (1 of 4 stars; one submission).

Allele frequency attached by ClinVar (database versions not stated): gnomAD exomes 0.00085; gnomAD 0.00846 and 0.00898; TOPMed 0.00951; 1000 Genomes Project 0.01138; 1000 Genomes Project 30x 0.01202.
gnomAD v4.1: 2,462 of 1,470,716 alleles (0.17%); highest among the groups gnomAD compares: African/African-American, 3%; 20 homozygotes.

Submission:

GeneDx
Classification: Likely benign. Last evaluated: 2018-06-16. Review status: criteria provided, single submitter. Criteria: GeneDx Variant Classification (06012015). Collection method: clinical testing. Allele origin: germline. Affected: yes.
Comment: This variant is considered likely benign or benign based on one or more of the following criteria: it is a conservative change, it occurs at a poorly conserved position in the protein, it is predicted to be benign by multiple in silico algorithms, and/or has population frequency not consistent with disease.

NM_014874.4(MFN2):c.599+109A>G

Gene: MFN2 (mitofusin 2; plus strand). Cytogenetic location: 1p36.22.
Variant type: single nucleotide variant.
Coding change: c.599+109A>G on transcript NM_014874.4 (MANE Select); 109 bases into the intron after coding-DNA position 599, A replaced by G.
Molecular consequence: intron variant.
Genome position (GRCh38, 1-based): chr1:11,997,530, A>G. VCF-style: chr1-11997530-A-G. GRCh37 (hg19) VCF-style: chr1-12057587-A-G.
Other names: c.599+109A>G (NM_001127660.2).
Identifiers: ClinVar variation 675534 (VCV000675534.1), dbSNP rs75754772, ClinGen allele CA18008659.